The following is an entry in ClinVar:

ClinVar aggregate classification (germline): Conflicting classifications of pathogenicity. Review status: criteria provided, conflicting classifications (1 of 4 stars). 2 submissions from 2 submitters: Likely pathogenic (1); Uncertain significance (1). Last evaluated 2026-03-13.

Conditions:
Trichohepatoenteric syndrome 2 (THES2). Identifiers: Orphanet 84064, MedGen C3281289, MONDO:0013818, OMIM 614602.

Allele frequency attached by ClinVar (database versions not stated): ExAC 0.00001; gnomAD 0.00001; gnomAD exomes 0.00002; ESP Exome Variant Server 0.00012.
gnomAD v4.1: 27 of 1,612,982 alleles (0.0017%); highest among the groups gnomAD compares: Non-Finnish European, 0.0021%; no homozygotes.

Submissions (2):

Molecular Diagnostics Laboratory, M Health Fairview: University of Minnesota
Classification: Likely pathogenic for Trichohepatoenteric syndrome 2. Last evaluated: 2026-03-13. Review status: criteria provided, single submitter. Criteria: ACMG Guidelines, 2015. Collection method: clinical testing. Allele origin: germline. Affected: yes.

Labcorp Genetics (formerly Invitae), Labcorp
Classification: Uncertain significance. Last evaluated: 2022-06-18. Review status: criteria provided, single submitter. Criteria: Invitae Variant Classification Sherloc (09022015). Collection method: clinical testing. Allele origin: germline.
Comment: This variant is present in population databases (rs370867663, gnomAD 0.002%). This sequence change replaces histidine, which is basic and polar, with arginine, which is basic and polar, at codon 636 of the SKIV2L protein (p.His636Arg). This variant has not been reported in the literature in individuals affected with SKIV2L-related conditions. Algorithms developed to predict the effect of missense changes on protein structure and function are either unavailable or do not agree on the potential impact of this missense change (SIFT: "Deleterious"; PolyPhen-2: "Probably Damaging"; Align-GVGD: "Class C0"). In summary, the available evidence is currently insufficient to determine the role of this variant in disease. Therefore, it has been classified as a Variant of Uncertain Significance.

NM_006929.5(SKIC2):c.1907A>G (p.His636Arg)

Gene: SKIC2 (SKI2 subunit of superkiller complex; plus strand). Cytogenetic location: 6p21.33.
Variant type: single nucleotide variant.
Coding change: c.1907A>G on transcript NM_006929.5 (MANE Select); coding-DNA position 1907, A replaced by G.
Protein change: p.His636Arg; replaces histidine 636 with arginine.
Molecular consequence: missense variant.
Genome position (GRCh38, 1-based): chr6:31,964,278, A>G. VCF-style: chr6-31964278-A-G. GRCh37 (hg19) VCF-style: chr6-31932055-A-G.
Other names: short protein forms H636R.
Identifiers: ClinVar variation 1962620 (VCV001962620.6), dbSNP rs370867663, ClinGen allele CA3729625.
Genomic context (GRCh38, chr6:31,964,278, plus strand): 5'-TCCTCCCACCAAAGGTCCTGCACATGTCAGAGCTCCTGAATCGCGGCCTGGGTGTGCACC[A>G]TAGCGGCATCCTGCCCATCCTCAAGGAGATCGTGGAGATGCTCTTCAGCCGTGGCCTGGT-3'
Protein context (NP_008860.4, residues 626-646): ELLNRGLGVH[His636Arg]SGILPILKEI